The following is an entry in ClinVar:

NM_001308093.3(GATA4):c.615C>A (p.Leu205=)

Gene: GATA4 (GATA binding protein 4). Cytogenetic location: 8p23.1.
Variant type: single nucleotide variant.
Coding change: c.615C>A on transcript NM_001308093.3 (MANE Select); coding-DNA position 615, C replaced by A.
Protein change: p.Leu205=; no amino-acid change (leucine 205 retained).
Molecular consequence: synonymous variant. On other transcripts: intron variant (3).
Genome position (GRCh38, 1-based): chr8:11,708,927, C>A. VCF-style: chr8-11708927-C-A. GRCh37 (hg19) VCF-style: chr8-11566436-C-A.
Other names: c.615C>A, p.Leu205= (NM_002052.5); c.-6+8149C>A (NM_001308094.2); c.-3+913C>A (NM_001374274.1); c.-3+4623C>A (NM_001374273.1).
Identifiers: ClinVar variation 4703753 (VCV004703753.1).

ClinVar aggregate classification (germline): Uncertain significance (1 of 4 stars; one submission).

Conditions:
Atrioventricular septal defect 4 (AVSD4). Identifiers: MedGen C3280781, MONDO:0013747, OMIM 614430.

Submission:

Labcorp Genetics (formerly Invitae), Labcorp
Classification: Uncertain significance for Atrioventricular septal defect 4. Last evaluated: 2025-03-24. Review status: criteria provided, single submitter. Criteria: Invitae Variant Classification Sherloc (09022015). Collection method: clinical testing. Allele origin: germline.
Comment: This sequence change affects codon 205 of the GATA4 mRNA. It is a 'silent' change, meaning that it does not change the encoded amino acid sequence of the GATA4 protein. It affects a nucleotide within the consensus splice site. This variant is not present in population databases (gnomAD no frequency). This variant has not been reported in the literature in individuals affected with GATA4-related conditions. Algorithms developed to predict the effect of sequence changes on RNA splicing suggest that this variant is not likely to affect RNA splicing. In summary, the available evidence is currently insufficient to determine the role of this variant in disease. Therefore, it has been classified as a Variant of Uncertain Significance.